The following is an entry in ClinVar:

ClinVar aggregate classification (germline): Likely benign. Review status: criteria provided, multiple submitters, no conflicts (2 of 4 stars). 3 submissions from 3 submitters: Likely benign (3). Last evaluated 2026-08-01.

Allele frequency attached by ClinVar (database versions not stated): gnomAD exomes 0.00010 and 0.00014; ExAC 0.00011; gnomAD 0.00015 and 0.00016; ESP Exome Variant Server 0.00016.
gnomAD v4.1: 225 of 1,606,150 alleles (0.014%); highest among the groups gnomAD compares: Middle Eastern, 0.049%; no homozygotes.

Submissions (3):

CeGaT Center for Human Genetics Tuebingen
Classification: Likely benign. Last evaluated: 2026-08-01. Review status: criteria provided, single submitter. Criteria: CeGaT Center For Human Genetics Tuebingen Variant Classification Criteria Version 2. Collection method: clinical testing. Allele origin: germline. Affected: yes. Observed: 1 variant allele.
Comment: MYO18B: BP4, BP7

Labcorp Genetics (formerly Invitae), Labcorp
Classification: Likely benign. Last evaluated: 2025-12-15. Review status: criteria provided, single submitter. Criteria: Invitae Variant Classification Sherloc (09022015). Collection method: clinical testing. Allele origin: germline.

Blueprint Genetics
Classification: Likely benign. Last evaluated: 2024-03-06. Review status: criteria provided, single submitter. Criteria: ACMG Guidelines, 2015. Collection method: clinical testing. Allele origin: germline.

NM_032608.7(MYO18B):c.837A>G (p.Pro279=)

Gene: MYO18B (myosin XVIIIB; plus strand). Cytogenetic location: 22q12.1.
Variant type: single nucleotide variant.
Coding change: c.837A>G on transcript NM_032608.7 (MANE Select); coding-DNA position 837, A replaced by G.
Protein change: p.Pro279=; no amino-acid change (proline 279 retained).
Molecular consequence: synonymous variant.
Genome position (GRCh38, 1-based): chr22:25,768,753, A>G. VCF-style: chr22-25768753-A-G. GRCh37 (hg19) VCF-style: chr22-26164720-A-G.
Other names: c.837A>G, p.Pro279= (NM_001318245.2).
Identifiers: ClinVar variation 1583971 (VCV001583971.10), dbSNP rs372918477, ClinGen allele CA10159705.
Genomic context (GRCh38, chr22:25,768,753, plus strand): 5'-GGGCAAAGACAGGCAGGGGACCAGGCCCCAAGCCCAAGGGCCCGGCGAGGGGGTGCGACC[A>G]GGGAAAGCAGAGAAGGAGGGAGCAGAGCCCACAAACACGGTGGAAAAGGGGAATGTCTCT-3'
Protein context (NP_115997.5, residues 269-289): QAQGPGEGVR[Pro279=]GKAEKEGAEP